The following is an entry in ClinVar:

ClinVar aggregate classification (germline): Uncertain significance. Review status: criteria provided, multiple submitters, no conflicts (2 of 4 stars). 3 submissions from 3 submitters: Uncertain significance (3). Last evaluated 2025-09-18.

Conditions:
Hyperphosphatasia with impaired intellectual development syndrome 2. Also called: Hyperphosphatasia with intellectual disability syndrome 2; GLYCOSYLPHOSPHATIDYLINOSITOL BIOSYNTHESIS DEFECT 6. Identifiers: Orphanet 247262, MedGen C3553637, MONDO:0013882, OMIM 614749.
PIGO-related disorder. Also called: PIGO-related condition.

Allele frequency attached by ClinVar (database versions not stated): gnomAD 0.00001.
gnomAD v4.1: 5 of 1,614,058 alleles (0.00031%); highest among the groups gnomAD compares: Non-Finnish European, 0.00042%; no homozygotes.

Submissions (3):

PreventionGenetics, part of Exact Sciences
Classification: Uncertain significance for PIGO-related condition. Last evaluated: 2025-09-18. Review status: criteria provided, single submitter. Criteria: ACMG Guidelines, 2015. Collection method: clinical testing. Allele origin: germline.
Comment: The PIGO c.693C>G variant is predicted to result in the amino acid substitution p.Phe231Leu. To our knowledge, this variant has not been reported in the literature or in a large population database (gnomAD), indicating this variant is rare. At this time, the clinical significance of this variant is uncertain due to the absence of conclusive functional and genetic evidence.

Labcorp Genetics (formerly Invitae), Labcorp
Classification: Uncertain significance for Hyperphosphatasia with impaired intellectual development syndrome 2. Last evaluated: 2022-06-20. Review status: criteria provided, single submitter. Criteria: Invitae Variant Classification Sherloc (09022015). Collection method: clinical testing. Allele origin: germline.
Comment: In summary, the available evidence is currently insufficient to determine the role of this variant in disease. Therefore, it has been classified as a Variant of Uncertain Significance. Algorithms developed to predict the effect of missense changes on protein structure and function are either unavailable or do not agree on the potential impact of this missense change (SIFT: "Tolerated"; PolyPhen-2: "Probably Damaging"; Align-GVGD: "Class C0"). ClinVar contains an entry for this variant (Variation ID: 646837). This missense change has been observed in individual(s) with clinical features of PIGO-related conditions (Invitae). This variant is not present in population databases (gnomAD no frequency). This sequence change replaces phenylalanine, which is neutral and non-polar, with leucine, which is neutral and non-polar, at codon 231 of the PIGO protein (p.Phe231Leu).

GeneDx
Classification: Uncertain significance. Last evaluated: 2020-08-18. Review status: criteria provided, single submitter. Criteria: GeneDx Variant Classification Process June 2021. Collection method: clinical testing. Allele origin: germline. Affected: yes.
Comment: Not observed in large population cohorts (Lek et al., 2016); In silico analysis, which includes protein predictors and evolutionary conservation, supports a deleterious effect; Has not been previously published as pathogenic or benign to our knowledge

NM_032634.4(PIGO):c.693C>G (p.Phe231Leu)

Gene: PIGO (phosphatidylinositol glycan anchor biosynthesis class O; minus strand). Cytogenetic location: 9p13.3.
Variant type: single nucleotide variant.
Coding change: c.693C>G on transcript NM_032634.4 (MANE Select); coding-DNA position 693, C replaced by G.
Protein change: p.Phe231Leu; replaces phenylalanine 231 with leucine.
Molecular consequence: missense variant.
Genome position (GRCh38, 1-based): chr9:35,093,987, G>C on the plus strand (C>G on the coding strand, the complement: PIGO is on the minus strand). VCF-style: chr9-35093987-G-C. GRCh37 (hg19) VCF-style: chr9-35093984-G-C.
Other names: c.693C>G, p.Phe231Leu (NM_001201484.2, NM_152850.4); short protein forms F231L.
Identifiers: ClinVar variation 646837 (VCV000646837.13), dbSNP rs1587173214, ClinGen allele CA373323709.